The following is an entry in ClinVar:

NM_181882.3(PRX):c.1613T>C (p.Val538Ala)

Gene: PRX (periaxin; minus strand). Cytogenetic location: 19q13.2.
Variant type: single nucleotide variant.
Coding change: c.1613T>C on transcript NM_181882.3 (MANE Select); coding-DNA position 1613, T replaced by C.
Protein change: p.Val538Ala; replaces valine 538 with alanine.
Molecular consequence: missense variant. On other transcripts: 3 prime UTR variant (1).
Genome position (GRCh38, 1-based): chr19:40,396,739, A>G on the plus strand (T>C on the coding strand, the complement: PRX is on the minus strand). VCF-style: chr19-40396739-A-G. GRCh37 (hg19) VCF-style: chr19-40902646-A-G.
Other names: c.*1818T>C (NM_020956.2); short protein forms V538A.
Identifiers: ClinVar variation 476952 (VCV000476952.8), dbSNP rs765791679, ClinGen allele CA405898030.

ClinVar aggregate classification (germline): Uncertain significance (1 of 4 stars; one submission).

Conditions:
Charcot-Marie-Tooth disease type 4. Also called: Charcot-Marie-Tooth disease, type IV; Charcot-Marie-Tooth, Type 4. Identifiers: Orphanet 64749, MedGen C4082197, MONDO:0018995.

Allele frequency attached by ClinVar (database versions not stated): TOPMed 0.00002.

Submission:

Labcorp Genetics (formerly Invitae), Labcorp
Classification: Uncertain significance for Charcot-Marie-Tooth disease type 4. Last evaluated: 2020-12-10. Review status: criteria provided, single submitter. Criteria: Invitae Variant Classification Sherloc (09022015). Collection method: clinical testing. Allele origin: germline.
Comment: Algorithms developed to predict the effect of missense changes on protein structure and function are either unavailable or do not agree on the potential impact of this missense change (SIFT: "Deleterious"; PolyPhen-2: "Benign"; Align-GVGD: "Class C0"). In summary, the available evidence is currently insufficient to determine the role of this variant in disease. Therefore, it has been classified as a Variant of Uncertain Significance. This variant has not been reported in the literature in individuals with PRX-related disease. ClinVar contains an entry for this variant (Variation ID: 476952). This variant is not present in population databases (ExAC no frequency). This sequence change replaces valine with alanine at codon 538 of the PRX protein (p.Val538Ala). The valine residue is weakly conserved and there is a small physicochemical difference between valine and alanine.